The following is an entry in ClinVar:

NM_000817.3(GAD1):c.1652C>T (p.Thr551Met)

Gene: GAD1 (glutamate decarboxylase 1; plus strand). Cytogenetic location: 2q31.1.
Variant type: single nucleotide variant.
Coding change: c.1652C>T on transcript NM_000817.3 (MANE Select); coding-DNA position 1652, C replaced by T.
Protein change: p.Thr551Met; replaces threonine 551 with methionine.
Molecular consequence: missense variant.
Genome position (GRCh38, 1-based): chr2:170,859,749, C>T. VCF-style: chr2-170859749-C-T. GRCh37 (hg19) VCF-style: chr2-171716259-C-T.
Other names: short protein forms T551M.
Identifiers: ClinVar variation 1505978 (VCV001505978.8), dbSNP rs762878619, ClinGen allele CA1963018.

ClinVar aggregate classification (germline): Uncertain significance (1 of 4 stars; one submission).

Conditions:
Neurodevelopmental disorder with progressive spasticity and brain white matter abnormalities. Also called: CEREBRAL PALSY, SPASTIC QUADRIPLEGIC, 1. Identifiers: Orphanet 210141, Orphanet 641353, MedGen C5436628, MONDO:0033613, OMIM 619026.

Allele frequency attached by ClinVar (database versions not stated): ExAC 0.00001; gnomAD 0.00001; gnomAD exomes 0.00001 and 0.00002; TOPMed 0.00001.
gnomAD v4.1: 18 of 1,614,036 alleles (0.0011%); highest among the groups gnomAD compares: Admixed American, 0.0067%; no homozygotes.

Submission:

Labcorp Genetics (formerly Invitae), Labcorp
Classification: Uncertain significance for Neurodevelopmental disorder with progressive spasticity and brain white matter abnormalities. Last evaluated: 2022-06-20. Review status: criteria provided, single submitter. Criteria: Invitae Variant Classification Sherloc (09022015). Collection method: clinical testing. Allele origin: germline.
Comment: This variant is present in population databases (rs762878619, gnomAD 0.01%). In summary, the available evidence is currently insufficient to determine the role of this variant in disease. Therefore, it has been classified as a Variant of Uncertain Significance. Algorithms developed to predict the effect of missense changes on protein structure and function (SIFT, PolyPhen-2, Align-GVGD) all suggest that this variant is likely to be disruptive. This variant has not been reported in the literature in individuals affected with GAD1-related conditions. This sequence change replaces threonine, which is neutral and polar, with methionine, which is neutral and non-polar, at codon 551 of the GAD1 protein (p.Thr551Met).